The following is an entry in ClinVar:

ClinVar aggregate classification (germline): Uncertain significance. Review status: criteria provided, multiple submitters, no conflicts (2 of 4 stars). 2 submissions from 2 submitters: Uncertain significance (2). Last evaluated 2025-12-03.

Conditions:
Myofibrillar myopathy 4. Also called: Zaspopathy (type). Identifiers: Orphanet 98912, MedGen C4721886, MONDO:0012277, OMIM 609452.

Allele frequency attached by ClinVar (database versions not stated): gnomAD exomes below 0.00001 and 0.00001; ExAC 0.00001; gnomAD 0.00001; TOPMed 0.00001.
gnomAD v4.1: 22 of 1,613,988 alleles (0.0014%); highest among the groups gnomAD compares: Non-Finnish European, 0.0019%; no homozygotes.

Submissions (2):

Labcorp Genetics (formerly Invitae), Labcorp
Classification: Uncertain significance for Myofibrillar myopathy 4. Last evaluated: 2025-12-03. Review status: criteria provided, single submitter. Criteria: Invitae Variant Classification Sherloc (09022015). Collection method: clinical testing. Allele origin: germline.
Comment: This sequence change replaces serine, which is neutral and polar, with asparagine, which is neutral and polar, at codon 182 of the LDB3 protein (p.Ser182Asn). This variant is present in population databases (rs774522659, gnomAD 0.0009%). This variant has not been reported in the literature in individuals affected with LDB3-related conditions. ClinVar contains an entry for this variant (Variation ID: 449616). An algorithm developed to predict the effect of missense changes on protein structure and function (PolyPhen-2) suggests that this variant is likely to be tolerated. In summary, the available evidence is currently insufficient to determine the role of this variant in disease. Therefore, it has been classified as a Variant of Uncertain Significance.

GeneDx
Classification: Uncertain significance. Last evaluated: 2024-09-16. Review status: criteria provided, single submitter. Criteria: GeneDx Variant Classification Process June 2021. Collection method: clinical testing. Allele origin: germline. Affected: yes.
Comment: Has not been previously published as pathogenic or benign to our knowledge; Not observed at significant frequency in large population cohorts (gnomAD); In silico analysis indicates that this missense variant does not alter protein structure/function

NM_001368067.1(LDB3):c.545G>A (p.Ser182Asn)

Genes: LDB3 (LIM domain binding 3; plus strand), LOC110121486 (VISTA enhancer hs2143; plus strand). Cytogenetic location: 10q23.2.
Variant type: single nucleotide variant.
Coding change: c.545G>A on transcript NM_001368067.1 (MANE Plus Clinical); coding-DNA position 545, G replaced by A.
Protein change: p.Ser182Asn; replaces serine 182 with asparagine.
Molecular consequence: missense variant. On other transcripts: intron variant (5).
Genome position (GRCh38, 1-based): chr10:86,687,269, G>A. VCF-style: chr10-86687269-G-A. GRCh37 (hg19) VCF-style: chr10-88447026-G-A.
Other names: c.545G>A, p.Ser182Asn (NM_001080114.2, NM_001080116.1, NM_001368066.1 and 1 more transcripts); c.890G>A, p.Ser297Asn (NM_001171610.2, NM_001171611.2); c.690-4627G>A (NM_001368064.1, NM_001368063.1, NM_007078.3 and 2 more transcripts); short protein forms S182N, S297N.
Identifiers: ClinVar variation 449616 (VCV000449616.8), dbSNP rs774522659, ClinGen allele CA5584837.
Genomic context (GRCh38, chr10:86,687,269, plus strand): 5'-CCCAGGATGCCATCATGGATGCCATCGCTGGGCAGGCCCAAGCCCAAGGCAGTGACTTCA[G>A]TGGGTAAGCGCCTCCCTCCTCCACCGCCACTCAGTGCCTCCAGAGCCCGAGGGGTATGGG-3'
Protein context (NP_001354996.1, residues 172-192): GQAQAQGSDF[Ser182Asn]GSLPIKDLAV